The following is an entry in ClinVar:

ClinVar aggregate classification (germline): Uncertain significance (1 of 4 stars; one submission).

Submission:

GeneDx
Classification: Uncertain significance. Last evaluated: 2023-07-21. Review status: criteria provided, single submitter. Criteria: GeneDx Variant Classification Process June 2021. Collection method: clinical testing. Allele origin: germline. Affected: yes.
Comment: Not observed at significant frequency in large population cohorts (gnomAD); In silico analysis supports that this missense variant has a deleterious effect on protein structure/function; Has not been previously published as pathogenic or benign to our knowledge

NM_000814.6(GABRB3):c.767T>C (p.Leu256Pro)

Gene: GABRB3 (gamma-aminobutyric acid type A receptor subunit beta3; minus strand). Cytogenetic location: 15q12.
Variant type: single nucleotide variant.
Coding change: c.767T>C on transcript NM_000814.6 (MANE Select); coding-DNA position 767, T replaced by C.
Protein change: p.Leu256Pro; replaces leucine 256 with proline.
Molecular consequence: missense variant.
Genome position (GRCh38, 1-based): chr15:26,567,649, A>G on the plus strand (T>C on the coding strand, the complement: GABRB3 is on the minus strand). VCF-style: chr15-26567649-A-G. GRCh37 (hg19) VCF-style: chr15-26812796-A-G.
Other names: c.512T>C, p.Leu171Pro (NM_001191320.2, NM_001278631.2); c.554T>C, p.Leu185Pro (NM_001191321.3); c.767T>C, p.Leu256Pro (NM_021912.5); short protein forms L171P, L185P, L256P.
Identifiers: ClinVar variation 3361190 (VCV003361190.1).